The following is an entry in ClinVar:

ClinVar aggregate classification (germline): Uncertain significance. Review status: criteria provided, multiple submitters, no conflicts (2 of 4 stars). 2 submissions from 2 submitters: Uncertain significance (2). Last evaluated 2021-03-10.

Conditions:
Dilated cardiomyopathy 1DD (CMD1DD). Identifiers: Orphanet 154, MedGen C2750995, MONDO:0013168, OMIM 613172.

Submissions (2):

Labcorp Genetics (formerly Invitae), Labcorp
Classification: Uncertain significance for Dilated cardiomyopathy 1DD. Last evaluated: 2021-03-10. Review status: criteria provided, single submitter. Criteria: Invitae Variant Classification Sherloc (09022015). Collection method: clinical testing. Allele origin: germline.
Comment: The frequency data for this variant in the population databases is considered unreliable, as metrics indicate insufficient coverage at this position in the ExAC database. This variant, c.1909_1911del, results in the deletion of 1 amino acid(s) of the RBM20 protein (p.Ser637del), but otherwise preserves the integrity of the reading frame. This variant has been observed in individual(s) with clinical features of dilated cardiomyopathy (Invitae). ClinVar contains an entry for this variant (Variation ID: 202083). Experimental studies and prediction algorithms are not available or were not evaluated, and the functional significance of this variant is currently unknown. In summary, the available evidence is currently insufficient to determine the role of this variant in disease. Therefore, it has been classified as a Variant of Uncertain Significance.

GeneDx
Classification: Uncertain significance. Last evaluated: 2014-09-02. Review status: criteria provided, single submitter. Criteria: GeneDx Variant Classification (06012015). Collection method: clinical testing. Allele origin: germline. Affected: yes.
Comment: The c.1909_1911delAGT variant has not been published as a mutation, nor has it been reported as a benign polymorphism to our knowledge. The c.1909_1911delAGT variant was not observed in approximately 6500 individuals of European and African American ancestry in the NHLBI Exome Sequencing Project, indicating it is not a common benign variant in these populations. This in-frame deletion of three nucleotides results in the removal of a highly conserved Serine residue. Missense mutations in this same residue (S637G) and in nearby residues (S635A, R636C, R636H, R636S, P638L) have been reported in association with DCM, supporting the functional importance of this region of the protein. However, no other in-frame deletions have been reported in the RBM20 gene to date. Therefore, based on the currently available information, it is unclear whether this variant is a pathogenic mutation or a rare benign variant.

NM_001134363.3(RBM20):c.1909_1911del (p.Ser637del)

Gene: RBM20 (RNA binding motif protein 20; plus strand). Cytogenetic location: 10q25.2.
Variant type: Deletion.
Coding change: c.1909_1911del on transcript NM_001134363.3 (MANE Select); coding-DNA positions 1909 to 1911, 3 bases deleted (AGT; older notation c.1909_1911delAGT).
Protein change: p.Ser637del; deletes serine 637.
Molecular consequence: inframe deletion.
Genome position (GRCh38, 1-based): chr10:110,812,306-110,812,308, AGT deleted; deleting any 3 consecutive bases within chr10:110,812,304-110,812,308 gives the same sequence; the c. name uses the placement nearest the transcript's 3' end. VCF-style (leftmost placement, unchanged base first): chr10-110812303-CGTA-C. GRCh37 (hg19) VCF-style: chr10-112572061-CGTA-C.
Other names: c.1909_1911del (LRG_382t1); short protein forms S637del.
Identifiers: ClinVar variation 202083 (VCV000202083.9), dbSNP rs794729163, ClinGen allele CA335588.